The following is an entry in ClinVar:

NM_002524.5(NRAS):c.315C>T (p.Asp105=)

Gene: NRAS (NRAS proto-oncogene, GTPase; minus strand). Cytogenetic location: 1p13.2.
Variant type: single nucleotide variant.
Coding change: c.315C>T on transcript NM_002524.5 (MANE Select); coding-DNA position 315, C replaced by T.
Protein change: p.Asp105=; no amino-acid change (aspartic acid 105 retained).
Molecular consequence: synonymous variant.
Genome position (GRCh38, 1-based): chr1:114,709,704, G>A on the plus strand (C>T on the coding strand, the complement: NRAS is on the minus strand). VCF-style: chr1-114709704-G-A. GRCh37 (hg19) VCF-style: chr1-115252325-G-A.
Other names: c.315C>T (LRG_92t1).
Identifiers: ClinVar variation 380664 (VCV000380664.7), dbSNP rs752000303, ClinGen allele CA1020727.

ClinVar aggregate classification (germline): Likely benign. Review status: criteria provided, multiple submitters, no conflicts (2 of 4 stars). 3 submissions from 3 submitters: Likely benign (3). Last evaluated 2024-02-11.

Conditions:
Cardiovascular phenotype. Identifiers: MedGen CN230736.
RASopathy. Also called: Noonan spectrum disorder; rasopathies. Identifiers: Orphanet 536391, MedGen C5555857, MONDO:0021060.

Allele frequency attached by ClinVar (database versions not stated): TOPMed below 0.00001; ExAC 0.00001; gnomAD 0.00001; gnomAD exomes 0.00001 and 0.00002.
gnomAD v4.1: 31 of 1,613,394 alleles (0.0019%); highest among the groups gnomAD compares: African/African-American, 0.004%; no homozygotes.

Submissions (3):

Labcorp Genetics (formerly Invitae), Labcorp
Classification: Likely benign for RASopathy. Last evaluated: 2024-02-11. Review status: criteria provided, single submitter. Criteria: Invitae Variant Classification Sherloc (09022015). Collection method: clinical testing. Allele origin: germline.

Ambry Genetics
Classification: Likely benign for Cardiovascular phenotype. Last evaluated: 2022-07-25. Review status: criteria provided, single submitter. Criteria: Ambry Variant Classification Scheme 2023. Collection method: clinical testing. Allele origin: germline.

GeneDx
Classification: Likely benign. Last evaluated: 2016-03-29. Review status: criteria provided, single submitter. Criteria: GeneDx Variant Classification (06012015). Collection method: clinical testing. Allele origin: germline. Affected: yes.
Comment: This variant is considered likely benign or benign based on one or more of the following criteria: it is a conservative change, it occurs at a poorly conserved position in the protein, it is predicted to be benign by multiple in silico algorithms, and/or has population frequency not consistent with disease.